The following is an entry in ClinVar:

ClinVar aggregate classification (germline): Likely benign. Review status: criteria provided, multiple submitters, no conflicts (2 of 4 stars). 2 submissions from 2 submitters: Likely benign (2). Last evaluated 2022-11-01.

Conditions:
Hereditary insensitivity to pain with anhidrosis (CIPA). Also called: INSENSITIVITY TO PAIN, CONGENITAL, WITH ANHIDROSIS; NTRK1 Congenital Insensitivity to Pain with Anhidrosis; HSAN Type IV; hereditary sensory and autonomic neuropathy type 4; FAMILIAL DYSAUTONOMIA, TYPE II; NEUROPATHY, CONGENITAL SENSORY, WITH ANHIDROSIS. Identifiers: Orphanet 642, MedGen C0020074, MONDO:0009746, OMIM 256800.

Allele frequency attached by ClinVar (database versions not stated): 1000 Genomes Project 0.00060; gnomAD exomes 0.00198 and 0.00159; ESP Exome Variant Server 0.00139; TOPMed 0.00142; gnomAD 0.00197 and 0.00190; ExAC 0.00162; 1000 Genomes Project 30x 0.00047.
gnomAD v4.1: 3,164 of 1,613,706 alleles (0.2%); highest among the groups gnomAD compares: Non-Finnish European, 0.23%; 2 homozygotes.

Submissions (2):

CeGaT Center for Human Genetics Tuebingen
Classification: Likely benign. Last evaluated: 2022-11-01. Review status: criteria provided, single submitter. Criteria: CeGaT Center For Human Genetics Tuebingen Variant Classification Criteria Version 2. Collection method: clinical testing. Allele origin: germline. Affected: yes. Observed: 2 variant alleles.
Comment: INSRR: BS1

Mendelics
Classification: Likely benign for Hereditary insensitivity to pain with anhidrosis. Last evaluated: 2019-05-28. Review status: criteria provided, single submitter. Criteria: Mendelics Assertion Criteria 2017. Collection method: clinical testing. Allele origin: unknown.

NM_014215.3(INSRR):c.736T>C (p.Cys246Arg)

Genes: INSRR (insulin receptor related receptor; minus strand), NTRK1 (neurotrophic receptor tyrosine kinase 1; plus strand). Cytogenetic location: 1q23.1.
Variant type: single nucleotide variant.
Coding change: c.736T>C on transcript NM_014215.3 (MANE Select); coding-DNA position 736, T replaced by C.
Protein change: p.Cys246Arg; replaces cysteine 246 with arginine.
Molecular consequence: missense variant. On other transcripts: intron variant (1).
Genome position (GRCh38, 1-based): chr1:156,852,093, A>G on the plus strand (T>C on the coding strand, the complement: INSRR is on the minus strand). VCF-style: chr1-156852093-A-G. GRCh37 (hg19) VCF-style: chr1-156821885-A-G.
Other names: c.122+9900A>G (NM_001007792.1); short protein forms C246R.
Identifiers: ClinVar variation 801562 (VCV000801562.28), dbSNP rs56377825, ClinGen allele CA1168611.